The following is an entry in ClinVar:

ClinVar aggregate classification (germline): Uncertain significance. Review status: criteria provided, multiple submitters, no conflicts (2 of 4 stars). 2 submissions from 2 submitters: Uncertain significance (2). Last evaluated 2024-06-11.

Conditions:
Long QT syndrome (LQTS). Identifiers: MedGen C0023976, MeSH D008133, MONDO:0002442. Disease mechanism: loss of function. Inheritance: Various modes of inheritance.

Submissions (2):

All of Us Research Program, National Institutes of Health
Classification: Uncertain significance for Long QT syndrome. Last evaluated: 2024-06-11. Review status: criteria provided, single submitter. Criteria: ACMG Guidelines, 2015. Collection method: clinical testing. Allele origin: germline. Inheritance: Autosomal dominant inheritance. Observed: 1 variant allele, 1 heterozygote.
Comment: This study involves interpretation of variants in research participants for the purpose of population health screening. Participant phenotype was not available at the time of variant classification. Additional details can be found in publication PMID: 35346344, PMCID: PMC8962531

Blueprint Genetics
Classification: Uncertain significance. Last evaluated: 2022-02-22. Review status: criteria provided, single submitter. Criteria: ACMG Guidelines, 2015. Collection method: clinical testing. Allele origin: germline.

NM_000218.3(KCNQ1):c.1784_1786del (p.Val595del)

Gene: KCNQ1 (potassium voltage-gated channel subfamily Q member 1; plus strand). Cytogenetic location: 11p15.5.
Variant type: Deletion.
Coding change: c.1784_1786del on transcript NM_000218.3 (MANE Select); coding-DNA positions 1784 to 1786, 3 bases deleted (TAG; older notation c.1784_1786delTAG).
Protein change: p.Val595del; deletes valine 595.
Genome position (GRCh38, 1-based): chr11:2,778,027-2,778,029, TAG deleted; deleting any 3 consecutive bases within chr11:2,778,025-2,778,029 gives the same sequence; the c. name uses the placement nearest the transcript's 3' end. VCF-style (leftmost placement, unchanged base first): chr11-2778024-GAGT-G. GRCh37 (hg19) VCF-style: chr11-2799254-GAGT-G.
Other names: c.1688_1690del, p.Val563del (NM_001406836.1); c.1514_1516del, p.Val505del (NM_001406837.1); c.1244_1246del, p.Val415del (NM_001406838.1); c.296_298del, p.Val99del (NM_001406839.1); c.1403_1405del, p.Val468del (NM_181798.2); short protein forms V415del, V468del, V505del, V563del, V595del, V99del.
Identifiers: ClinVar variation 3386950 (VCV003386950.2).
Genomic context (GRCh38, chr11:2,778,024, plus strand): 5'-TATCCCCCATAGAAAAGAGCAAGGATCGCGGCAGCAACACGATCGGCGCCCGCCTGAACC[GAGT>G]AGAAGACAAGGTAGGCTCACGCGCCGGCCTGCGGTGGTTCTGGTTAGCGTCCTGGGGCCA-3'